The following is an entry in ClinVar:

NM_004484.4(GPC3):c.1736T>G (p.Val579Gly)

Gene: GPC3 (glypican 3; minus strand). Cytogenetic location: Xq26.2.
Variant type: single nucleotide variant.
Coding change: c.1736T>G on transcript NM_004484.4 (MANE Select); coding-DNA position 1736, T replaced by G.
Protein change: p.Val579Gly; replaces valine 579 with glycine.
Molecular consequence: missense variant.
Genome position (GRCh38, 1-based): chrX:133,536,131, A>C on the plus strand (T>G on the coding strand, the complement: GPC3 is on the minus strand). VCF-style: chrX-133536131-A-C. GRCh37 (hg19) VCF-style: chrX-132670159-A-C.
Other names: c.1805T>G, p.Val602Gly (NM_001164617.2); c.1688T>G, p.Val563Gly (NM_001164618.2); c.1574T>G, p.Val525Gly (NM_001164619.2); short protein forms V525G, V579G, V602G, V563G.
Identifiers: ClinVar variation 953514 (VCV000953514.8), dbSNP rs1197981146, ClinGen allele CA414702337.
Genomic context (GRCh38, chrX:133,536,131, plus strand): 5'-CGAGGAAGACCACAGGGTGCTGTAGGGCAGCACATGTGCTGGGCACCAGGCAGTCAGTGC[A>C]CCAGGAAGAAGAAGCACACCACCGAGATGGCCATGCTGGTGAGAAGCTTCAGCGGGGAAT-3'
Protein context (NP_004475.1, residues 569-580): AISVVCFFFL[Val579Gly]H

ClinVar aggregate classification (germline): Uncertain significance (1 of 4 stars; one submission).

Conditions:
Wilms tumor 1 (WT1). Also called: Wilms tumor, somatic. Identifiers: Orphanet 654, MedGen CN033288, MONDO:0008679, OMIM 194070.

Allele frequency attached by ClinVar (database versions not stated): gnomAD exomes 0.00001.

Submission:

Labcorp Genetics (formerly Invitae), Labcorp
Classification: Uncertain significance for Wilms tumor 1. Last evaluated: 2023-11-01. Review status: criteria provided, single submitter. Criteria: Invitae Variant Classification Sherloc (09022015). Collection method: clinical testing. Allele origin: germline.
Comment: This sequence change replaces valine, which is neutral and non-polar, with glycine, which is neutral and non-polar, at codon 579 of the GPC3 protein (p.Val579Gly). This variant is present in population databases (no rsID available, gnomAD 0.001%), including at least one homozygous and/or hemizygous individual. This variant has not been reported in the literature in individuals affected with GPC3-related conditions. ClinVar contains an entry for this variant (Variation ID: 953514). An algorithm developed to predict the effect of missense changes on protein structure and function (PolyPhen-2) suggests that this variant is likely to be tolerated. In summary, the available evidence is currently insufficient to determine the role of this variant in disease. Therefore, it has been classified as a Variant of Uncertain Significance.